The following is an entry in ClinVar:

NM_004937.3(CTNS):c.54G>C (p.Glu18Asp)

Gene: CTNS (cystinosin, lysosomal cystine transporter; plus strand). Cytogenetic location: 17p13.2.
Variant type: single nucleotide variant.
Coding change: c.54G>C on transcript NM_004937.3 (MANE Select); coding-DNA position 54, G replaced by C.
Protein change: p.Glu18Asp; replaces glutamic acid 18 with aspartic acid.
Molecular consequence: missense variant. On other transcripts: 5 prime UTR variant (2), intron variant (2).
Genome position (GRCh38, 1-based): chr17:3,640,260, G>C. VCF-style: chr17-3640260-G-C. GRCh37 (hg19) VCF-style: chr17-3543554-G-C.
Other names: c.54G>C, p.Glu18Asp (NM_001031681.3, NM_001374492.1); c.-303G>C (NM_001374493.1); c.-224G>C (NM_001374495.1); c.-381+2944G>C (NM_001374494.1); c.-296+2944G>C (NM_001374496.1); short protein forms E18D.
Identifiers: ClinVar variation 3761392 (VCV003761392.2).

ClinVar aggregate classification (germline): Uncertain significance (1 of 4 stars; one submission).

Conditions:
Inborn genetic diseases. Identifiers: MedGen C0950123, MeSH D030342.
Ocular cystinosis. Also called: Non-Nephropathic Cystinosis; Non-Nephropathic (Ocular) Cystinosis. Identifiers: Orphanet 213, Orphanet 411641, MedGen C2931013, MONDO:0009064, OMIM 219750.
Juvenile nephropathic cystinosis. Also called: Intermediate Cystinosis; CYSTINOSIS, LATE-ONSET JUVENILE OR ADOLESCENT NEPHROPATHIC TYPE; Later-Onset (Juvenile) Cystinosis. Identifiers: Orphanet 213, Orphanet 411634, MedGen C0268626, MONDO:0009066, OMIM 219900.

Submission:

Labcorp Genetics (formerly Invitae), Labcorp
Classification: Uncertain significance for Inborn genetic diseases; Ocular cystinosis; Juvenile nephropathic cystinosis. Last evaluated: 2024-04-10. Review status: criteria provided, single submitter. Criteria: Invitae Variant Classification Sherloc (09022015). Collection method: clinical testing. Allele origin: germline.
Comment: This sequence change replaces glutamic acid, which is acidic and polar, with aspartic acid, which is acidic and polar, at codon 18 of the CTNS protein (p.Glu18Asp). This variant is not present in population databases (gnomAD no frequency). This variant has not been reported in the literature in individuals affected with CTNS-related conditions. Advanced modeling of protein sequence and biophysical properties (such as structural, functional, and spatial information, amino acid conservation, physicochemical variation, residue mobility, and thermodynamic stability) performed at Invitae indicates that this missense variant is not expected to disrupt CTNS protein function with a negative predictive value of 95%. In summary, the available evidence is currently insufficient to determine the role of this variant in disease. Therefore, it has been classified as a Variant of Uncertain Significance.